The following is an entry in ClinVar:

ClinVar aggregate classification (germline): Uncertain significance (1 of 4 stars; one submission).

Conditions:
Polyglucosan body myopathy type 1 (PGBM1). Also called: POLYGLUCOSAN BODY MYOPATHY WITHOUT IMMUNODEFICIENCY; Polyglucosan body myopathy 1 with or without immunodeficiency. Identifiers: Orphanet 329173, Orphanet 397937, MedGen C4014605, MONDO:0014389, OMIM 615895.

Allele frequency attached by ClinVar (database versions not stated): ExAC 0.00006; TOPMed 0.00007.
gnomAD v4.1: 13 of 1,578,872 alleles (0.00082%); highest among the groups gnomAD compares: African/African-American, 0.0081%; no homozygotes.

Submission:

Labcorp Genetics (formerly Invitae), Labcorp
Classification: Uncertain significance for Polyglucosan body myopathy type 1. Last evaluated: 2022-12-05. Review status: criteria provided, single submitter. Criteria: Invitae Variant Classification Sherloc (09022015). Collection method: clinical testing. Allele origin: germline.
Comment: This sequence change replaces glutamic acid, which is acidic and polar, with glutamine, which is neutral and polar, at codon 234 of the RBCK1 protein (p.Glu234Gln). This variant is present in population databases (rs756811010, gnomAD 0.01%). This variant has not been reported in the literature in individuals affected with RBCK1-related conditions. ClinVar contains an entry for this variant (Variation ID: 852350). Advanced modeling of protein sequence and biophysical properties (such as structural, functional, and spatial information, amino acid conservation, physicochemical variation, residue mobility, and thermodynamic stability) performed at Invitae indicates that this missense variant is not expected to disrupt RBCK1 protein function. In summary, the available evidence is currently insufficient to determine the role of this variant in disease. Therefore, it has been classified as a Variant of Uncertain Significance.

NM_031229.4(RBCK1):c.700G>C (p.Glu234Gln)

Gene: RBCK1 (RANBP2-type and C3HC4-type zinc finger containing 1; plus strand). Cytogenetic location: 20p13.
Variant type: single nucleotide variant.
Coding change: c.700G>C on transcript NM_031229.4 (MANE Select); coding-DNA position 700, G replaced by C.
Protein change: p.Glu234Gln; replaces glutamic acid 234 with glutamine.
Molecular consequence: missense variant. On other transcripts: synonymous variant (2), non-coding transcript variant (1).
Genome position (GRCh38, 1-based): chr20:419,675, G>C. VCF-style: chr20-419675-G-C. GRCh37 (hg19) VCF-style: chr20-400319-G-C.
Other names: c.351G>C, p.Thr117= (NM_001323956.2, NM_001323958.2); c.574G>C, p.Glu192Gln (NM_006462.6); short protein forms E192Q, E234Q.
Identifiers: ClinVar variation 852350 (VCV000852350.8), dbSNP rs756811010, ClinGen allele CA9723156.